The following is an entry in ClinVar:

ClinVar aggregate classification (germline): Uncertain significance (1 of 4 stars; one submission).

Submission:

GeneDx
Classification: Uncertain significance. Last evaluated: 2024-11-03. Review status: criteria provided, single submitter. Criteria: GeneDx Variant Classification Process June 2021. Collection method: clinical testing. Allele origin: germline. Affected: yes.
Comment: Not observed at significant frequency in large population cohorts (gnomAD); In silico analysis indicates that this missense variant does not alter protein structure/function; Has not been previously published as pathogenic or benign to our knowledge

NM_000062.3(SERPING1):c.1144A>T (p.Ile382Phe)

Gene: SERPING1 (serpin family G member 1; plus strand). Cytogenetic location: 11q12.1.
Variant type: single nucleotide variant.
Coding change: c.1144A>T on transcript NM_000062.3 (MANE Select); coding-DNA position 1144, A replaced by T.
Protein change: p.Ile382Phe; replaces isoleucine 382 with phenylalanine.
Molecular consequence: missense variant.
Genome position (GRCh38, 1-based): chr11:57,611,831, A>T. VCF-style: chr11-57611831-A-T. GRCh37 (hg19) VCF-style: chr11-57379304-A-T.
Other names: c.1144A>T, p.Ile382Phe (NM_001032295.2); short protein forms I382F.
Identifiers: ClinVar variation 3897136 (VCV003897136.1).
Genomic context (GRCh38, chr11:57,611,831, plus strand): 5'-AACCTGAAACATCGTCTTGAAGACATGGAACAGGCTCTCAGCCCTTCTGTTTTCAAGGCC[A>T]TCATGGAGAAACTGGAGATGTCCAAGTTCCAGCCCACTCTCCTAACACTACCCCGCATCA-3'
Protein context (NP_000053.2, residues 372-392): QALSPSVFKA[Ile382Phe]MEKLEMSKFQ